The following is an entry in ClinVar:

NM_001734.5(C1S):c.1418C>T (p.Ala473Val)

Gene: C1S (complement C1s; plus strand). Cytogenetic location: 12p13.31.
Variant type: single nucleotide variant.
Coding change: c.1418C>T on transcript NM_001734.5 (MANE Select); coding-DNA position 1418, C replaced by T.
Protein change: p.Ala473Val; replaces alanine 473 with valine.
Molecular consequence: missense variant.
Genome position (GRCh38, 1-based): chr12:7,070,002, C>T. VCF-style: chr12-7070002-C-T. GRCh37 (hg19) VCF-style: chr12-7177306-C-T.
Other names: c.917C>T, p.Ala306Val (NM_001346850.2); c.1418C>T, p.Ala473Val (NM_201442.4); short protein forms A473V, A306V.
Identifiers: ClinVar variation 4781166 (VCV004781166.1).

ClinVar aggregate classification (germline): Uncertain significance (1 of 4 stars; one submission).

gnomAD v4.1: 1 of 1,614,204 alleles (0.000062%); highest among the groups gnomAD compares: South Asian, 0.0011%; no homozygotes.

Submission:

Labcorp Genetics (formerly Invitae), Labcorp
Classification: Uncertain significance. Last evaluated: 2026-01-27. Review status: criteria provided, single submitter. Criteria: Invitae Variant Classification Sherloc (09022015). Collection method: clinical testing. Allele origin: germline.
Comment: This sequence change replaces alanine, which is neutral and non-polar, with valine, which is neutral and non-polar, at codon 473 of the C1S protein (p.Ala473Val). This variant is present in population databases (no rsID available, gnomAD 0.003%). This variant has not been reported in the literature in individuals affected with C1S-related conditions. Invitae Evidence Modeling of protein sequence and biophysical properties (such as structural, functional, and spatial information, amino acid conservation, physicochemical variation, residue mobility, and thermodynamic stability) indicates that this missense variant is expected to disrupt C1S protein function with a positive predictive value of 80%. In summary, the available evidence is currently insufficient to determine the role of this variant in disease. Therefore, it has been classified as a Variant of Uncertain Significance.